The following is an entry in ClinVar:

ClinVar aggregate classification (germline): Uncertain significance. Review status: criteria provided, multiple submitters, no conflicts (2 of 4 stars). 2 submissions from 2 submitters: Uncertain significance (2). Last evaluated 2025-08-12.

Conditions:
Cardiovascular phenotype. Identifiers: MedGen CN230736.
Hypercholesterolemia, autosomal dominant, 3 (FHCL3). Also called: Familial Hypercholesterolemia, Autosomal Dominant, 3; PCSK9-Related Familial Hypercholesterolemia, Autosomal Dominant; Familial hypercholesterolemia 3. Identifiers: MedGen C1863551, MONDO:0011369, OMIM 603776.

Allele frequency attached by ClinVar (database versions not stated): gnomAD 0.00001; TOPMed below 0.00001; ExAC 0.00001.
gnomAD v4.1: 3 of 1,613,704 alleles (0.00019%); highest among the groups gnomAD compares: Non-Finnish European, 0.00025%; no homozygotes.

Submissions (2):

Ambry Genetics
Classification: Uncertain significance for Cardiovascular phenotype. Last evaluated: 2025-08-12. Review status: criteria provided, single submitter. Criteria: Ambry Variant Classification Scheme 2023. Collection method: clinical testing. Allele origin: germline.
Comment: The p.C626Y variant (also known as c.1877G>A), located in coding exon 12 of the PCSK9 gene, results from a G to A substitution at nucleotide position 1877. The cysteine at codon 626 is replaced by tyrosine, an amino acid with highly dissimilar properties. This amino acid position is conserved. In addition, the in silico prediction for this alteration is inconclusive. Since supporting evidence is limited at this time, the clinical significance of this alteration remains unclear.

All of Us Research Program, National Institutes of Health
Classification: Uncertain significance for Hypercholesterolemia, autosomal dominant, 3. Last evaluated: 2023-12-18. Review status: criteria provided, single submitter. Criteria: ACMG Guidelines, 2015. Collection method: clinical testing. Allele origin: germline. Inheritance: Autosomal dominant inheritance. Observed: 1 variant allele, 1 heterozygote.
Comment: This missense variant replaces cysteine with tyrosine at codon 626 of the PCSK9 protein. Computational prediction suggests that this variant may have deleterious impact on protein structure and function (internally defined REVEL score threshold >= 0.7, PMID: 27666373). To our knowledge, functional studies have not been reported for this variant. This variant has not been reported in individuals affected with PCSK9-related disorders in the literature. This variant has not been identified in the general population by the Genome Aggregation Database (gnomAD). The available evidence is insufficient to determine the role of this variant in disease conclusively. Therefore, this variant is classified as a Variant of Uncertain Significance.

This study involves interpretation of variants in research participants for the purpose of population health screening. Participant phenotype was not available at the time of variant classification. Additional details can be found in publication PMID: 35346344, PMCID: PMC8962531

NM_174936.4(PCSK9):c.1877G>A (p.Cys626Tyr)

Gene: PCSK9 (proprotein convertase subtilisin/kexin type 9; plus strand). Cytogenetic location: 1p32.3.
Variant type: single nucleotide variant.
Coding change: c.1877G>A on transcript NM_174936.4 (MANE Select); coding-DNA position 1877, G replaced by A.
Protein change: p.Cys626Tyr; replaces cysteine 626 with tyrosine.
Molecular consequence: missense variant.
Genome position (GRCh38, 1-based): chr1:55,063,382, G>A. VCF-style: chr1-55063382-G-A. GRCh37 (hg19) VCF-style: chr1-55529055-G-A.
Other names: c.2000G>A, p.Cys667Tyr (NM_001407240.1); c.1919G>A, p.Cys640Tyr (NM_001407241.1); c.1880G>A, p.Cys627Tyr (NM_001407242.1); c.1820G>A, p.Cys607Tyr (NM_001407243.1); c.1703G>A, p.Cys568Tyr (NM_001407244.1); c.1685G>A, p.Cys562Tyr (NM_001407245.1); c.1502G>A, p.Cys501Tyr (NM_001407246.1); c.1376G>A, p.Cys459Tyr (NM_001407247.1); short protein forms C627Y, C459Y, C501Y, C607Y, C667Y, C562Y, C568Y, C626Y.
Identifiers: ClinVar variation 1781803 (VCV001781803.4), dbSNP rs766081343, ClinGen allele CA039537.